The following is an entry in ClinVar:

ClinVar aggregate classification (germline): Uncertain significance (1 of 4 stars; one submission).

Allele frequency attached by ClinVar (database versions not stated): gnomAD exomes below 0.00001.
gnomAD v4.1: 2 of 1,613,690 alleles (0.00012%); highest among the groups gnomAD compares: Admixed American, 0.0017%; no homozygotes.

Submission:

Labcorp Genetics (formerly Invitae), Labcorp
Classification: Uncertain significance. Last evaluated: 2024-10-29. Review status: criteria provided, single submitter. Criteria: Invitae Variant Classification Sherloc (09022015). Collection method: clinical testing. Allele origin: germline.
Comment: This sequence change replaces aspartic acid, which is acidic and polar, with asparagine, which is neutral and polar, at codon 881 of the CNGB1 protein (p.Asp881Asn). This variant is present in population databases (no rsID available, gnomAD 0.003%). This variant has not been reported in the literature in individuals affected with CNGB1-related conditions. ClinVar contains an entry for this variant (Variation ID: 1038389). Invitae Evidence Modeling of protein sequence and biophysical properties (such as structural, functional, and spatial information, amino acid conservation, physicochemical variation, residue mobility, and thermodynamic stability) indicates that this missense variant is not expected to disrupt CNGB1 protein function with a negative predictive value of 80%. In summary, the available evidence is currently insufficient to determine the role of this variant in disease. Therefore, it has been classified as a Variant of Uncertain Significance.

NM_001297.5(CNGB1):c.2641G>A (p.Asp881Asn)

Gene: CNGB1 (cyclic nucleotide gated channel subunit beta 1; minus strand). Cytogenetic location: 16q21.
Variant type: single nucleotide variant.
Coding change: c.2641G>A on transcript NM_001297.5 (MANE Select); coding-DNA position 2641, G replaced by A.
Protein change: p.Asp881Asn; replaces aspartic acid 881 with asparagine.
Molecular consequence: missense variant.
Genome position (GRCh38, 1-based): chr16:57,903,975, C>T on the plus strand (G>A on the coding strand, the complement: CNGB1 is on the minus strand). VCF-style: chr16-57903975-C-T. GRCh37 (hg19) VCF-style: chr16-57937879-C-T.
Other names: c.2623G>A, p.Asp875Asn (NM_001286130.2); short protein forms D875N, D881N.
Identifiers: ClinVar variation 1038389 (VCV001038389.8), dbSNP rs1390089871, ClinGen allele CA396058226.